The following is an entry in ClinVar:

ClinVar aggregate classification (germline): Benign. Review status: criteria provided, multiple submitters, no conflicts (2 of 4 stars). 4 submissions from 4 submitters: Benign (4). Last evaluated 2024-07-15.

Conditions:
Developmental and epileptic encephalopathy 94 (DEE94). Also called: Epileptic encephalopathy, childhood-onset; CHD2-Related Neurodevelopmental Disorders. Identifiers: Orphanet 1942, Orphanet 2382, MedGen C3809278, MONDO:0014150, OMIM 615369.

Allele frequency attached by ClinVar (database versions not stated): ESP Exome Variant Server 0.75239; gnomAD 0.75991 and 0.76965; TOPMed 0.77428; 1000 Genomes Project 30x 0.80231; 1000 Genomes Project 0.81330; ExAC 0.83693; gnomAD exomes 0.83818 and 0.84545.
gnomAD v4.1: 1,327,080 of 1,595,458 alleles (83%); highest among the groups gnomAD compares: East Asian, 100%; 555,866 homozygotes.

Submissions (4):

Unidad de Genómica Garrahan, Hospital de Pediatría Garrahan
Classification: Benign. Last evaluated: 2024-07-15. Review status: criteria provided, single submitter. Criteria: ACMG Guidelines, 2015. Collection method: clinical testing. Allele origin: germline. Affected: no. Observed: 92 variant alleles.
Comment: This variant is classified as Benign based on local population frequency. This variant was detected in 99% of patients studied in a panel designed for Epileptic and Developmental Encephalopathy and Progressive Myoclonus Epilepsy. Number of patients: 92. Only high quality variants are reported.

Genome-Nilou Lab
Classification: Benign for Developmental and epileptic encephalopathy 94. Last evaluated: 2021-07-22. Review status: criteria provided, single submitter. Criteria: ACMG Guidelines, 2015. Collection method: clinical testing. Allele origin: germline. Affected: no.

GeneDx
Classification: Benign. Last evaluated: 2018-06-25. Review status: criteria provided, single submitter. Criteria: GeneDx Variant Classification Process June 2021. Collection method: clinical testing. Allele origin: germline. Affected: yes.

Breakthrough Genomics
Classification: Benign. Review status: criteria provided, single submitter. Criteria: ACMG Guidelines, 2015. Collection method: not provided. Allele origin: germline. Inheritance: Autosomal dominant inheritance. Affected: yes.

NM_001271.4(CHD2):c.4414-45C>T

Gene: CHD2 (chromodomain helicase DNA binding protein 2; plus strand). Cytogenetic location: 15q26.1.
Variant type: single nucleotide variant.
Coding change: c.4414-45C>T on transcript NM_001271.4 (MANE Select); 45 bases into the intron before coding-DNA position 4414, C replaced by T.
Molecular consequence: intron variant.
Genome position (GRCh38, 1-based): chr15:93,009,100, C>T. VCF-style: chr15-93009100-C-T. GRCh37 (hg19) VCF-style: chr15-93552330-C-T.
Identifiers: ClinVar variation 1209737 (VCV001209737.7), dbSNP rs12915582, ClinGen allele CA7748472.